The following is an entry in ClinVar:

NM_003480.4(MFAP5):c.295C>A (p.Arg99=)

Gene: MFAP5 (microfibril associated protein 5; minus strand). Cytogenetic location: 12p13.31.
Variant type: single nucleotide variant.
Coding change: c.295C>A on transcript NM_003480.4 (MANE Select); coding-DNA position 295, C replaced by A.
Protein change: p.Arg99=; no amino-acid change (arginine 99 retained).
Molecular consequence: synonymous variant. On other transcripts: non-coding transcript variant (2), intron variant (1).
Genome position (GRCh38, 1-based): chr12:8,650,542, G>T on the plus strand (C>A on the coding strand, the complement: MFAP5 is on the minus strand). VCF-style: chr12-8650542-G-T. GRCh37 (hg19) VCF-style: chr12-8803138-G-T.
Other names: c.265C>A, p.Arg89= (NM_001297709.2); c.229C>A, p.Arg77= (NM_001297710.2); c.220C>A, p.Arg74= (NM_001297711.2); c.218-2339C>A (NM_001297712.2).
Identifiers: ClinVar variation 3689140 (VCV003689140.2).
Genomic context (GRCh38, chr12:8,650,542, plus strand): 5'-GGCATTCTGGGATCCCTTACCTGGTGAAGCATAACTGATGAATGCATTGTTTAACCGGCC[G>T]ATGCACAGAGTAGAGCCTTGTGCAGGTAAATTTCTCATCCCAGCACTCTGAGGAAGCCCA-3'
Protein context (NP_003471.1, residues 89-109): FTCTRLYSVH[Arg99=]PVKQCIHQLC

ClinVar aggregate classification (germline): Uncertain significance (1 of 4 stars; one submission).

gnomAD v4.1: 1 of 1,613,952 alleles (0.000062%); highest among the groups gnomAD compares: Non-Finnish European, 0.000085%; no homozygotes.

Submission:

Labcorp Genetics (formerly Invitae), Labcorp
Classification: Uncertain significance. Last evaluated: 2024-03-09. Review status: criteria provided, single submitter. Criteria: Invitae Variant Classification Sherloc (09022015). Collection method: clinical testing. Allele origin: germline.
Comment: This sequence change affects codon 99 of the MFAP5 mRNA. It is a 'silent' change, meaning that it does not change the encoded amino acid sequence of the MFAP5 protein. This variant is not present in population databases (gnomAD no frequency). This variant has not been reported in the literature in individuals affected with MFAP5-related conditions. Algorithms developed to predict the effect of sequence changes on RNA splicing suggest that this variant may disrupt the consensus splice site. In summary, the available evidence is currently insufficient to determine the role of this variant in disease. Therefore, it has been classified as a Variant of Uncertain Significance.